The following is an entry in ClinVar:

NM_015378.4(VPS13D):c.653C>T (p.Pro218Leu)

Gene: VPS13D (vacuolar protein sorting 13 homolog D; plus strand). Cytogenetic location: 1p36.22.
Variant type: single nucleotide variant.
Coding change: c.653C>T on transcript NM_015378.4 (MANE Select); coding-DNA position 653, C replaced by T.
Protein change: p.Pro218Leu; replaces proline 218 with leucine.
Molecular consequence: missense variant.
Genome position (GRCh38, 1-based): chr1:12,253,810, C>T. VCF-style: chr1-12253810-C-T. GRCh37 (hg19) VCF-style: chr1-12313867-C-T.
Other names: c.653C>T, p.Pro218Leu (NM_018156.4); short protein forms P218L.
Identifiers: ClinVar variation 1472447 (VCV001472447.8), dbSNP rs1640819507, ClinGen allele CA338478440.

ClinVar aggregate classification (germline): Uncertain significance (1 of 4 stars; one submission).

Allele frequency attached by ClinVar (database versions not stated): gnomAD exomes below 0.00001; gnomAD 0.00001.
gnomAD v4.1: 4 of 1,613,746 alleles (0.00025%); highest among the groups gnomAD compares: Non-Finnish European, 0.00034%; no homozygotes.

Submission:

Labcorp Genetics (formerly Invitae), Labcorp
Classification: Uncertain significance. Last evaluated: 2023-06-13. Review status: criteria provided, single submitter. Criteria: Invitae Variant Classification Sherloc (09022015). Collection method: clinical testing. Allele origin: germline.
Comment: ClinVar contains an entry for this variant (Variation ID: 1472447). Advanced modeling of protein sequence and biophysical properties (such as structural, functional, and spatial information, amino acid conservation, physicochemical variation, residue mobility, and thermodynamic stability) has been performed at Invitae for this missense variant, however the output from this modeling did not meet the statistical confidence thresholds required to predict the impact of this variant on VPS13D protein function. In summary, the available evidence is currently insufficient to determine the role of this variant in disease. Therefore, it has been classified as a Variant of Uncertain Significance. This variant has not been reported in the literature in individuals affected with VPS13D-related conditions. This sequence change replaces proline, which is neutral and non-polar, with leucine, which is neutral and non-polar, at codon 218 of the VPS13D protein (p.Pro218Leu). This variant is not present in population databases (gnomAD no frequency).